The following is an entry in ClinVar:

NM_000137.4(FAH):c.706+8C>A

Gene: FAH (fumarylacetoacetate hydrolase; plus strand). Cytogenetic location: 15q25.1.
Variant type: single nucleotide variant.
Coding change: c.706+8C>A on transcript NM_000137.4 (MANE Select); 8 bases into the intron after coding-DNA position 706, C replaced by A.
Molecular consequence: intron variant.
Genome position (GRCh38, 1-based): chr15:80,172,256, C>A. VCF-style: chr15-80172256-C-A. GRCh37 (hg19) VCF-style: chr15-80464598-C-A.
Other names: c.706+8C>A (NM_001374377.1, NM_001374380.1).
Identifiers: ClinVar variation 4997859 (VCV004997859.1).

ClinVar aggregate classification (germline): Likely benign (1 of 4 stars; one submission).

Conditions:
FAH-related disorder. Also called: FAH-related condition.

gnomAD v4.1: 3 of 1,590,214 alleles (0.00019%); highest among the groups gnomAD compares: South Asian, 0.0033%; no homozygotes.

Submission:

PreventionGenetics, part of Exact Sciences
Classification: Likely benign for FAH-related condition. Last evaluated: 2024-11-13. Review status: criteria provided, single submitter. Criteria: ACMG Guidelines, 2015. Collection method: clinical testing. Allele origin: germline.
Comment: This variant is classified as likely benign based on ACMG/AMP sequence variant interpretation guidelines (Richards et al. 2015 PMID: 25741868, with internal and published modifications).